The following is an entry in ClinVar:

ClinVar aggregate classification (germline): Likely benign (1 of 4 stars; one submission).

Allele frequency attached by ClinVar (database versions not stated): gnomAD exomes 0.00001; gnomAD 0.00001; ExAC 0.00001; TOPMed 0.00001.
gnomAD v4.1: 6 of 1,612,604 alleles (0.00037%); highest among the groups gnomAD compares: Non-Finnish European, 0.00051%; no homozygotes.

Submission:

GeneDx
Classification: Likely benign. Last evaluated: 2016-06-18. Review status: criteria provided, single submitter. Criteria: GeneDx Variant Classification (06012015). Collection method: clinical testing. Allele origin: germline. Affected: yes.
Comment: This variant is considered likely benign or benign based on one or more of the following criteria: it is a conservative change, it occurs at a poorly conserved position in the protein, it is predicted to be benign by multiple in silico algorithms, and/or has population frequency not consistent with disease.

NM_021957.4(GYS2):c.1899A>G (p.Gly633=)

Gene: GYS2 (glycogen synthase 2; minus strand). Cytogenetic location: 12p12.1.
Variant type: single nucleotide variant.
Coding change: c.1899A>G on transcript NM_021957.4 (MANE Select); coding-DNA position 1899, A replaced by G.
Protein change: p.Gly633=; no amino-acid change (glycine 633 retained).
Molecular consequence: synonymous variant.
Genome position (GRCh38, 1-based): chr12:21,537,167, T>C on the plus strand (A>G on the coding strand, the complement: GYS2 is on the minus strand). VCF-style: chr12-21537167-T-C. GRCh37 (hg19) VCF-style: chr12-21690101-T-C.
Identifiers: ClinVar variation 386916 (VCV000386916.1), dbSNP rs776375923, ClinGen allele CA6479650.